The following is an entry in ClinVar:

ClinVar aggregate classification (germline): Uncertain significance. Review status: criteria provided, multiple submitters, no conflicts (2 of 4 stars). 3 submissions from 3 submitters: Uncertain significance (3). Last evaluated 2025-08-11.

Conditions:
Hereditary cancer-predisposing syndrome. Also called: Neoplastic Syndromes, Hereditary; Tumor predisposition; Hereditary Cancer Syndrome; Hereditary neoplastic syndrome. Identifiers: Orphanet 140162, MedGen C0027672, MeSH D009386, MONDO:0015356.
Endometrial carcinoma. Also called: Endometrial carcinoma, somatic. Identifiers: MedGen C0476089, MONDO:0002447, OMIM 608089, HP:0012114.

Submissions (3):

Labcorp Genetics (formerly Invitae), Labcorp
Classification: Uncertain significance. Last evaluated: 2025-08-11. Review status: criteria provided, single submitter. Criteria: Invitae Variant Classification Sherloc (09022015). Collection method: clinical testing. Allele origin: germline.
Comment: This sequence change replaces alanine, which is neutral and non-polar, with glycine, which is neutral and non-polar, at codon 760 of the MSH3 protein (p.Ala760Gly). This variant is not present in population databases (gnomAD no frequency). This variant has not been reported in the literature in individuals affected with MSH3-related conditions. ClinVar contains an entry for this variant (Variation ID: 821012). An algorithm developed to predict the effect of missense changes on protein structure and function (PolyPhen-2) suggests that this variant is likely to be tolerated. In summary, the available evidence is currently insufficient to determine the role of this variant in disease. Therefore, it has been classified as a Variant of Uncertain Significance.

Ambry Genetics
Classification: Uncertain significance for Hereditary cancer-predisposing syndrome. Last evaluated: 2025-05-17. Review status: criteria provided, single submitter. Criteria: Ambry Variant Classification Scheme 2023. Collection method: clinical testing. Allele origin: germline.
Comment: The p.A760G variant (also known as c.2279C>G), located in coding exon 16 of the MSH3 gene, results from a C to G substitution at nucleotide position 2279. The alanine at codon 760 is replaced by glycine, an amino acid with similar properties. This amino acid position is not well conserved in available vertebrate species. In addition, this alteration is predicted to be tolerated by in silico analysis. Since supporting evidence is limited at this time, the clinical significance of this alteration remains unclear.

Baylor Genetics
Classification: Uncertain significance for Endometrial carcinoma. Last evaluated: 2023-10-30. Review status: criteria provided, single submitter. Criteria: ACMG Guidelines, 2015. Collection method: clinical testing. Allele origin: unknown.

NM_002439.5(MSH3):c.2279C>G (p.Ala760Gly)

Gene: MSH3 (mutS homolog 3; plus strand). Cytogenetic location: 5q14.1.
Variant type: single nucleotide variant.
Coding change: c.2279C>G on transcript NM_002439.5 (MANE Select); coding-DNA position 2279, C replaced by G.
Protein change: p.Ala760Gly; replaces alanine 760 with glycine.
Molecular consequence: missense variant.
Genome position (GRCh38, 1-based): chr5:80,775,719, C>G. VCF-style: chr5-80775719-C-G. GRCh37 (hg19) VCF-style: chr5-80071538-C-G.
Other names: short protein forms A760G.
Identifiers: ClinVar variation 821012 (VCV000821012.16), dbSNP rs1580042050, ClinGen allele CA360280789.